The following is an entry in ClinVar:

NM_000135.4(FANCA):c.1388A>G (p.His463Arg)

Gene: FANCA (FA complementation group A; minus strand). Cytogenetic location: 16q24.3.
Variant type: single nucleotide variant.
Coding change: c.1388A>G on transcript NM_000135.4 (MANE Select); coding-DNA position 1388, A replaced by G.
Protein change: p.His463Arg; replaces histidine 463 with arginine.
Molecular consequence: missense variant.
Genome position (GRCh38, 1-based): chr16:89,784,936, T>C on the plus strand (A>G on the coding strand, the complement: FANCA is on the minus strand). VCF-style: chr16-89784936-T-C. GRCh37 (hg19) VCF-style: chr16-89851344-T-C.
Other names: c.1388A>G (NM_000135.3); c.1388A>G, p.His463Arg (NM_001286167.3); short protein forms H463R.
Identifiers: ClinVar variation 844886 (VCV000844886.15), dbSNP rs2039847321, ClinGen allele CA397460107.

ClinVar aggregate classification (germline): Uncertain significance. Review status: criteria provided, multiple submitters, no conflicts (2 of 4 stars). 5 submissions from 5 submitters: Uncertain significance (4). 1 of the submissions does not count toward it. Last evaluated 2025-07-18.

Conditions:
Inborn genetic diseases. Identifiers: MedGen C0950123, MeSH D030342.
Fanconi anemia (FA). Also called: Fanconi's anemia. Identifiers: Orphanet 84, MedGen C0015625, MeSH D005199, MONDO:0019391.

Allele frequency attached by ClinVar (database versions not stated): gnomAD exomes below 0.00001.

Submissions (5):

Ambry Genetics
Classification: Uncertain significance for Inborn genetic diseases. Last evaluated: 2025-07-18. Review status: criteria provided, single submitter. Criteria: Ambry Variant Classification Scheme 2023. Collection method: clinical testing. Allele origin: germline.
Comment: The p.H463R variant (also known as c.1388A>G), located in coding exon 15 of the FANCA gene, results from an A to G substitution at nucleotide position 1388. The histidine at codon 463 is replaced by arginine, an amino acid with highly similar properties. This amino acid position is conserved. In addition, this alteration is predicted to be deleterious by in silico analysis. Based on the available evidence, the clinical significance of this variant remains unclear.

Blueprint Genetics
Classification: Uncertain significance. Last evaluated: 2024-04-22. Review status: criteria provided, single submitter. Criteria: ACMG Guidelines, 2015. Collection method: clinical testing. Allele origin: germline.

Quest Diagnostics Nichols Institute San Juan Capistrano
Classification: Uncertain significance. Last evaluated: 2023-12-05. Review status: criteria provided, single submitter. Criteria: Quest Diagnostics criteria. Collection method: clinical testing. Allele origin: unknown.
Comment: The FANCA c.1388A>G (p.His463Arg) variant has not been reported in individuals with FANCA-related conditions in the published literature. It also has not been reported in large, multi-ethnic general populations (Genome Aggregation Database). Analysis of this variant using bioinformatics tools for the prediction of the effect of amino acid changes on protein structure and function yielded predictions that this variant is damaging. Based on the available information, we are unable to determine the clinical significance of this variant.

Labcorp Genetics (formerly Invitae), Labcorp
Classification: Uncertain significance for Fanconi anemia. Last evaluated: 2020-03-04. Review status: criteria provided, single submitter. Criteria: Invitae Variant Classification Sherloc (09022015). Collection method: clinical testing. Allele origin: germline.
Comment: This variant has not been reported in the literature in individuals with FANCA-related conditions. This variant is not present in population databases (ExAC no frequency). This sequence change replaces histidine with arginine at codon 463 of the FANCA protein (p.His463Arg). The histidine residue is highly conserved and there is a small physicochemical difference between histidine and arginine. In summary, the available evidence is currently insufficient to determine the role of this variant in disease. Therefore, it has been classified as a Variant of Uncertain Significance. Algorithms developed to predict the effect of missense changes on protein structure and function are either unavailable or do not agree on the potential impact of this missense change (SIFT: "Deleterious"; PolyPhen-2: "Benign"; Align-GVGD: "Class C0").

Natera, Inc.
Classification: Uncertain significance for Fanconi anemia. Last evaluated: 2020-09-18. Review status: no assertion criteria provided. Collection method: clinical testing. Allele origin: germline. Not counted in ClinVar's aggregate classification.

Literature cited by the submitters: PubMed 37349538 (cited by Quest Diagnostics Nichols Institute San Juan Capistrano).